The following is an entry in ClinVar:

ClinVar aggregate classification (germline): Uncertain significance (1 of 4 stars; one submission).

Conditions:
Severe combined immunodeficiency due to DNA-PKcs deficiency. Also called: IMMUNODEFICIENCY 26 WITH NEUROLOGIC ABNORMALITIES; Immunodeficiency 26 with or without neurologic abnormalities. Identifiers: Orphanet 317425, MedGen C4014833, MONDO:0014423, OMIM 615966.

Allele frequency attached by ClinVar (database versions not stated): gnomAD exomes below 0.00001.
gnomAD v4.1: 2 of 1,613,834 alleles (0.00012%); highest among the groups gnomAD compares: Non-Finnish European, 0.00017%; no homozygotes.

Submission:

Labcorp Genetics (formerly Invitae), Labcorp
Classification: Uncertain significance for Severe combined immunodeficiency due to DNA-PKcs deficiency. Last evaluated: 2022-02-15. Review status: criteria provided, single submitter. Criteria: Invitae Variant Classification Sherloc (09022015). Collection method: clinical testing. Allele origin: germline.
Comment: In summary, the available evidence is currently insufficient to determine the role of this variant in disease. Therefore, it has been classified as a Variant of Uncertain Significance. Experimental studies and prediction algorithms are not available or were not evaluated, and the functional significance of this variant is currently unknown. This variant has not been reported in the literature in individuals affected with PRKDC-related conditions. This variant is not present in population databases (gnomAD no frequency). This sequence change replaces valine, which is neutral and non-polar, with methionine, which is neutral and non-polar, at codon 2280 of the PRKDC protein (p.Val2280Met).

NM_006904.7(PRKDC):c.6838G>A (p.Val2280Met)

Gene: PRKDC (protein kinase, DNA-activated, catalytic subunit; minus strand). Cytogenetic location: 8q11.21.
Variant type: single nucleotide variant.
Coding change: c.6838G>A on transcript NM_006904.7 (MANE Select); coding-DNA position 6838, G replaced by A.
Protein change: p.Val2280Met; replaces valine 2280 with methionine.
Molecular consequence: missense variant.
Genome position (GRCh38, 1-based): chr8:47,854,138, C>T on the plus strand (G>A on the coding strand, the complement: PRKDC is on the minus strand). VCF-style: chr8-47854138-C-T. GRCh37 (hg19) VCF-style: chr8-48766699-C-T.
Other names: c.6838G>A, p.Val2280Met (NM_001081640.2); short protein forms V2280M.
Identifiers: ClinVar variation 1402837 (VCV001402837.6), dbSNP rs2088480278, ClinGen allele CA371158473.